The following is an entry in ClinVar:

ClinVar aggregate classification (germline): Benign/Likely benign. Review status: criteria provided, multiple submitters, no conflicts (2 of 4 stars). 4 submissions from 4 submitters: Benign (1); Likely benign (3). Last evaluated 2022-12-01.

Conditions:
Cone-rod dystrophy 15 (CORD15). Identifiers: MedGen C3150912, MONDO:0013348, OMIM 613660.

Allele frequency attached by ClinVar (database versions not stated): 1000 Genomes Project 30x 0.00390; 1000 Genomes Project 0.00439; TOPMed 0.00780.
gnomAD v4.1: 12,962 of 985,460 alleles (1.3%); highest among the groups gnomAD compares: Non-Finnish European, 1.5%; 98 homozygotes.

Submissions (4):

CeGaT Center for Human Genetics Tuebingen
Classification: Benign. Last evaluated: 2022-12-01. Review status: criteria provided, single submitter. Criteria: CeGaT Center For Human Genetics Tuebingen Variant Classification Criteria Version 2. Collection method: clinical testing. Allele origin: germline. Affected: yes. Observed: 1 variant allele.
Comment: CDHR1: BS1, BS2

Blueprint Genetics
Classification: Likely benign. Last evaluated: 2018-06-19. Review status: criteria provided, single submitter. Criteria: ACMG Guidelines, 2015. Collection method: clinical testing. Allele origin: germline.

Illumina Laboratory Services, Illumina
Classification: Likely benign for Cone-rod dystrophy 15. Last evaluated: 2018-01-13. Review status: criteria provided, single submitter. Criteria: ICSL Variant Classification Criteria 13 December 2019. Collection method: clinical testing. Allele origin: germline.
Comment: This variant was observed in the ICSL laboratory as part of a predisposition screen in an ostensibly healthy population. It had not been previously curated by ICSL or reported in the Human Gene Mutation Database (HGMD: prior to June 1st, 2018), and was therefore a candidate for classification through an automated scoring system. Utilizing variant allele frequency, disease prevalence and penetrance estimates, and inheritance mode, an automated score was calculated to assess if this variant is too frequent to cause the disease. Based on the score and internal cut-off values, a variant classified as likely benign is not then subjected to further curation. The score for this variant resulted in a classification of likely benign for this disease.

Breakthrough Genomics
Classification: Likely benign. Review status: criteria provided, single submitter. Criteria: ACMG Guidelines, 2015. Collection method: not provided. Allele origin: germline. Inheritance: Autosomal recessive inheritance. Affected: yes.

NM_033100.4(CDHR1):c.*1915C>G

Gene: CDHR1 (cadherin related family member 1; plus strand). Cytogenetic location: 10q23.1.
Variant type: single nucleotide variant.
Coding change: c.*1915C>G on transcript NM_033100.4 (MANE Select); 1915 bases downstream of the stop codon, C replaced by G.
Molecular consequence: 3 prime UTR variant. On other transcripts: intron variant (1).
Genome position (GRCh38, 1-based): chr10:84,216,536, C>G. VCF-style: chr10-84216536-C-G. GRCh37 (hg19) VCF-style: chr10-85976292-C-G.
Other names: c.2041-2543C>G (NM_001171971.3).
Identifiers: ClinVar variation 878136 (VCV000878136.30), dbSNP rs41291362, ClinGen allele CA210388398.